The following is an entry in ClinVar:

ClinVar aggregate classification (germline): Pathogenic (0 of 4 stars; one submission).

Conditions:
Spinocerebellar ataxia type 10 (SCA10). Identifiers: Orphanet 98761, MedGen C1963674, MONDO:0011330, OMIM 603516.

Submission:

GeneReviews
Classification: Pathogenic for Spinocerebellar Ataxia Type10. Last evaluated: 2012-09-20. Review status: no assertion criteria provided. Collection method: curation. Allele origin: unknown.
ClinVar note: Converted during submission from pathologic to Pathogenic.

NM_013236.3(ATXN10):c.1173+54822_1173+54826ATTCT(800_4500)

Genes: ATXN10 (ataxin 10; plus strand), LOC107181287 (origin of replication for ATXN10 repeat region; plus strand), LOC108660404 (ataxin 10 repeat instability region; plus strand). Cytogenetic location: 22q13.31.
Variant type: Microsatellite.
Coding change: c.1173+54822_1173+54826ATTCT(800_4500) on transcript NM_013236.3.
Identifiers: ClinVar variation 39005 (VCV000039005.3).